The following is an entry in ClinVar:

NM_022489.4(INF2):c.2598C>T (p.Thr866=)

Gene: INF2 (inverted formin 2; plus strand). Cytogenetic location: 14q32.33.
Variant type: single nucleotide variant.
Coding change: c.2598C>T on transcript NM_022489.4 (MANE Select); coding-DNA position 2598, C replaced by T.
Protein change: p.Thr866=; no amino-acid change (threonine 866 retained).
Molecular consequence: synonymous variant.
Genome position (GRCh38, 1-based): chr14:104,712,541, C>T. VCF-style: chr14-104712541-C-T. GRCh37 (hg19) VCF-style: chr14-105178878-C-T.
Other names: c.2598C>T, p.Thr866= (NM_001031714.4).
Identifiers: ClinVar variation 515093 (VCV000515093.12), dbSNP rs552110857, ClinGen allele CA7372988.

ClinVar aggregate classification (germline): Likely benign. Review status: criteria provided, multiple submitters, no conflicts (2 of 4 stars). 4 submissions from 4 submitters: Likely benign (4). Last evaluated 2025-09-10.

Conditions:
Inborn genetic diseases. Identifiers: MedGen C0950123, MeSH D030342.
Focal segmental glomerulosclerosis 5 (FSGS5). Identifiers: Orphanet 656, MedGen C2750475, MONDO:0013191, OMIM 613237.
Charcot-Marie-Tooth disease dominant intermediate E. Also called: CHARCOT-MARIE-TOOTH NEUROPATHY WITH FOCAL SEGMENTAL GLOMERULONEPHRITIS. Identifiers: Orphanet 93114, MedGen C4302667, MONDO:0013758, OMIM 614455.

Allele frequency attached by ClinVar (database versions not stated): gnomAD 0.00001; TOPMed 0.00001; ExAC 0.00002; 1000 Genomes Project 30x 0.00016; 1000 Genomes Project 0.00020.
gnomAD v4.1: 18 of 1,612,610 alleles (0.0011%); highest among the groups gnomAD compares: Middle Eastern, 0.017%; 1 homozygote.

Submissions (4):

Women's Health and Genetics/Laboratory Corporation of America, LabCorp
Classification: Likely benign. Last evaluated: 2025-09-10. Review status: criteria provided, single submitter. Criteria: LabCorp Variant Classification Summary - May 2015. Collection method: clinical testing. Allele origin: germline.

Labcorp Genetics (formerly Invitae), Labcorp
Classification: Likely benign for Charcot-Marie-Tooth disease dominant intermediate E; Focal segmental glomerulosclerosis 5. Last evaluated: 2024-10-07. Review status: criteria provided, single submitter. Criteria: Invitae Variant Classification Sherloc (09022015). Collection method: clinical testing. Allele origin: germline.

Ambry Genetics
Classification: Likely benign for Inborn genetic diseases. Last evaluated: 2019-07-11. Review status: criteria provided, single submitter. Criteria: Ambry Variant Classification Scheme 2023. Collection method: clinical testing. Allele origin: germline.

GeneDx
Classification: Likely benign. Last evaluated: 2018-02-05. Review status: criteria provided, single submitter. Criteria: GeneDx Variant Classification (06012015). Collection method: clinical testing. Allele origin: germline. Affected: yes.
Comment: This variant is considered likely benign or benign based on one or more of the following criteria: it is a conservative change, it occurs at a poorly conserved position in the protein, it is predicted to be benign by multiple in silico algorithms, and/or has population frequency not consistent with disease.